The following is an entry in ClinVar:

NM_001252024.2(TRPM1):c.3581A>G (p.Asp1194Gly)

Genes: TRPM1 (transient receptor potential cation channel subfamily M member 1; minus strand), LOC126862088 (BRD4-independent group 4 enhancer GRCh37_chr15:31318084-31319283; plus strand). Cytogenetic location: 15q13.3.
Variant type: single nucleotide variant.
Coding change: c.3581A>G on transcript NM_001252024.2 (MANE Select); coding-DNA position 3581, A replaced by G.
Protein change: p.Asp1194Gly; replaces aspartic acid 1194 with glycine.
Molecular consequence: missense variant.
Genome position (GRCh38, 1-based): chr15:31,026,187, T>C on the plus strand (A>G on the coding strand, the complement: TRPM1 is on the minus strand). VCF-style: chr15-31026187-T-C. GRCh37 (hg19) VCF-style: chr15-31318390-T-C.
Other names: c.3632A>G, p.Asp1211Gly (NM_001252020.2); c.3515A>G, p.Asp1172Gly (NM_002420.6); c.3515A>G (NM_002420.4); short protein forms D1172G, D1194G, D1211G.
Identifiers: ClinVar variation 1357974 (VCV001357974.6), dbSNP rs1010060774, ClinGen allele CA267513680.

ClinVar aggregate classification (germline): Uncertain significance. Review status: criteria provided, multiple submitters, no conflicts (2 of 4 stars). 3 submissions from 3 submitters: Uncertain significance (3). Last evaluated 2025-08-13.

Conditions:
Inborn genetic diseases. Identifiers: MedGen C0950123, MeSH D030342.

Allele frequency attached by ClinVar (database versions not stated): gnomAD exomes below 0.00001; gnomAD 0.00001; TOPMed 0.00004.
gnomAD v4.1: 7 of 1,612,340 alleles (0.00043%); highest among the groups gnomAD compares: African/African-American, 0.0013%; no homozygotes.

Submissions (3):

Ambry Genetics
Classification: Uncertain significance for Inborn genetic diseases. Last evaluated: 2025-08-13. Review status: criteria provided, single submitter. Criteria: Ambry Variant Classification Scheme 2023. Collection method: clinical testing. Allele origin: germline.

Labcorp Genetics (formerly Invitae), Labcorp
Classification: Uncertain significance. Last evaluated: 2024-10-16. Review status: criteria provided, single submitter. Criteria: Invitae Variant Classification Sherloc (09022015). Collection method: clinical testing. Allele origin: germline.
Comment: This sequence change replaces aspartic acid, which is acidic and polar, with glycine, which is neutral and non-polar, at codon 1172 of the TRPM1 protein (p.Asp1172Gly). The frequency data for this variant in the population databases is considered unreliable, as metrics indicate poor data quality at this position in the gnomAD database. This variant has not been reported in the literature in individuals affected with TRPM1-related conditions. ClinVar contains an entry for this variant (Variation ID: 1357974). Invitae Evidence Modeling of protein sequence and biophysical properties (such as structural, functional, and spatial information, amino acid conservation, physicochemical variation, residue mobility, and thermodynamic stability) indicates that this missense variant is not expected to disrupt TRPM1 protein function with a negative predictive value of 95%. In summary, the available evidence is currently insufficient to determine the role of this variant in disease. Therefore, it has been classified as a Variant of Uncertain Significance.

Blueprint Genetics
Classification: Uncertain significance. Last evaluated: 2022-09-08. Review status: criteria provided, single submitter. Criteria: ACMG Guidelines, 2015. Collection method: clinical testing. Allele origin: germline.